The following is an entry in ClinVar:

ClinVar aggregate classification (germline): Pathogenic (1 of 4 stars; one submission).

Submission:

Labcorp Genetics (formerly Invitae), Labcorp
Classification: Pathogenic. Last evaluated: 2021-12-24. Review status: criteria provided, single submitter. Criteria: Invitae Variant Classification Sherloc (09022015). Collection method: clinical testing. Allele origin: germline.
Comment: For these reasons, this variant has been classified as Pathogenic. This variant has not been reported in the literature in individuals affected with TRMU-related conditions. This variant is not present in population databases (gnomAD no frequency). This sequence change creates a premature translational stop signal (p.Leu195Phefs*12) in the TRMU gene. It is expected to result in an absent or disrupted protein product. Loss-of-function variants in TRMU are known to be pathogenic (PMID: 19732863, 23625533).

Literature cited by the submitters: PubMed 19732863; PubMed 23625533.

NM_018006.5(TRMU):c.584dup (p.Leu195fs)

Gene: TRMU (tRNA mitochondrial 2-thiouridylase; plus strand). Cytogenetic location: 22q13.31.
Variant type: Duplication.
Coding change: c.584dup on transcript NM_018006.5 (MANE Select); coding-DNA position 584, one base duplicated (T; older notation c.584dupT).
Protein change: p.Leu195fs; shifts the reading frame from leucine 195.
Molecular consequence: frameshift variant. On other transcripts: non-coding transcript variant (2).
Genome position (GRCh38, 1-based): chr22:46,350,396, T duplicated; the last of 2 consecutive T bases (chr22:46,350,395-46,350,396); duplicating either gives the same sequence. VCF-style (leftmost placement, unchanged base first): chr22-46350394-A-AT. GRCh37 (hg19) VCF-style: chr22-46746291-A-AT.
Other names: c.*28dup (NM_001008568.2); c.*122dup (NM_001008570.2); c.242dup, p.Leu81fs (NM_001282782.2); c.164dup, p.Leu55fs (NM_001282783.2, NM_001282784.2); c.584dup, p.Leu195fs (NM_001282785.2); short protein forms L55fs, L195fs, L81fs.
Identifiers: ClinVar variation 2057735 (VCV002057735.4), dbSNP rs2518179292, ClinGen allele CA2580099892.
Genomic context (GRCh38, chr22:46,350,394, plus strand): 5'-CTTCTTTCTCAGCCAGGTTTCCCAGGATGCCCTGAGGAGAACCATCTTCCCTCTGGGGGG[A>AT]TTAACGAAAGAGTTTGTAAAGAAAATCGCTGCTGAGAATAGACTTCATCATGTGCTTCAG-3'